The following is an entry in ClinVar:

NM_002109.6(HARS1):c.1150A>G (p.Ile384Val)

Gene: HARS1 (histidyl-tRNA synthetase 1; minus strand). Cytogenetic location: 5q31.3.
Variant type: single nucleotide variant.
Coding change: c.1150A>G on transcript NM_002109.6 (MANE Select); coding-DNA position 1150, A replaced by G.
Protein change: p.Ile384Val; replaces isoleucine 384 with valine.
Molecular consequence: missense variant.
Genome position (GRCh38, 1-based): chr5:140,676,698, T>C on the plus strand (A>G on the coding strand, the complement: HARS1 is on the minus strand). VCF-style: chr5-140676698-T-C. GRCh37 (hg19) VCF-style: chr5-140056283-T-C.
Other names: c.1030A>G, p.Ile344Val (NM_001258040.3); c.1090A>G, p.Ile364Val (NM_001258041.3); c.970A>G, p.Ile324Val (NM_001258042.3); c.928A>G, p.Ile310Val (NM_001289092.2); c.808A>G, p.Ile270Val (NM_001289093.2); c.1063A>G, p.Ile355Val (NM_001289094.2); short protein forms I344V, I270V, I310V, I324V, I364V, I355V, I384V.
Identifiers: ClinVar variation 1927010 (VCV001927010.5), dbSNP rs768703211, ClinGen allele CA3443911.

ClinVar aggregate classification (germline): Uncertain significance (1 of 4 stars; one submission).

Conditions:
Usher syndrome type 3B. Also called: USHER SYNDROME, TYPE IIIB. Identifiers: MedGen C3281066, MONDO:0013788, OMIM 614504.

Allele frequency attached by ClinVar (database versions not stated): gnomAD exomes below 0.00001; TOPMed 0.00001; ExAC 0.00002.
gnomAD v4.1: 5 of 1,614,212 alleles (0.00031%); highest among the groups gnomAD compares: Non-Finnish European, 0.00034%; no homozygotes.

Submission:

Labcorp Genetics (formerly Invitae), Labcorp
Classification: Uncertain significance for Usher syndrome type 3B. Last evaluated: 2024-05-15. Review status: criteria provided, single submitter. Criteria: Invitae Variant Classification Sherloc (09022015). Collection method: clinical testing. Allele origin: germline.
Comment: This sequence change replaces isoleucine, which is neutral and non-polar, with valine, which is neutral and non-polar, at codon 384 of the HARS protein (p.Ile384Val). This variant is present in population databases (rs768703211, gnomAD 0.002%). This variant has not been reported in the literature in individuals affected with HARS-related conditions. ClinVar contains an entry for this variant (Variation ID: 1927010). Advanced modeling of protein sequence and biophysical properties (such as structural, functional, and spatial information, amino acid conservation, physicochemical variation, residue mobility, and thermodynamic stability) performed at Invitae indicates that this missense variant is not expected to disrupt HARS protein function with a negative predictive value of 80%. In summary, the available evidence is currently insufficient to determine the role of this variant in disease. Therefore, it has been classified as a Variant of Uncertain Significance.